The following is an entry in ClinVar:

ClinVar aggregate classification (germline): Uncertain significance. Review status: criteria provided, multiple submitters, no conflicts (2 of 4 stars). 2 submissions from 2 submitters: Uncertain significance (2). Last evaluated 2024-10-01.

Conditions:
Inborn genetic diseases. Identifiers: MedGen C0950123, MeSH D030342.
Primary ciliary dyskinesia. Also called: Ciliary dyskinesia. Identifiers: Orphanet 244, MedGen C0008780, MONDO:0016575, HP:0012265.

Allele frequency attached by ClinVar (database versions not stated): gnomAD 0.00002 and 0.00003; TOPMed 0.00002; gnomAD exomes 0.00004; ExAC 0.00007.

Submissions (2):

Ambry Genetics
Classification: Uncertain significance for Inborn genetic diseases. Last evaluated: 2024-10-01. Review status: criteria provided, single submitter. Criteria: Ambry Variant Classification Scheme 2023. Collection method: clinical testing. Allele origin: germline.

Labcorp Genetics (formerly Invitae), Labcorp
Classification: Uncertain significance for Primary ciliary dyskinesia. Last evaluated: 2021-08-27. Review status: criteria provided, single submitter. Criteria: Invitae Variant Classification Sherloc (09022015). Collection method: clinical testing. Allele origin: germline.
Comment: This sequence change replaces leucine with phenylalanine at codon 201 of the ZMYND10 protein (p.Leu201Phe). The leucine residue is highly conserved and there is a small physicochemical difference between leucine and phenylalanine. This variant is present in population databases (rs770913452, ExAC 0.01%). This variant has not been reported in the literature in individuals affected with ZMYND10-related conditions. Algorithms developed to predict the effect of missense changes on protein structure and function (SIFT, PolyPhen-2, Align-GVGD) all suggest that this variant is likely to be tolerated. In summary, the available evidence is currently insufficient to determine the role of this variant in disease. Therefore, it has been classified as a Variant of Uncertain Significance.

NM_015896.4(ZMYND10):c.601C>T (p.Leu201Phe)

Gene: ZMYND10 (zinc finger MYND-type containing 10; minus strand). Cytogenetic location: 3p21.31.
Variant type: single nucleotide variant.
Coding change: c.601C>T on transcript NM_015896.4 (MANE Select); coding-DNA position 601, C replaced by T.
Protein change: p.Leu201Phe; replaces leucine 201 with phenylalanine.
Molecular consequence: missense variant. On other transcripts: intron variant (1).
Genome position (GRCh38, 1-based): chr3:50,343,017, G>A on the plus strand (C>T on the coding strand, the complement: ZMYND10 is on the minus strand). VCF-style: chr3-50343017-G-A. GRCh37 (hg19) VCF-style: chr3-50380448-G-A.
Other names: c.599+101C>T (NM_001308379.2); short protein forms L201F.
Identifiers: ClinVar variation 963885 (VCV000963885.5), dbSNP rs770913452, ClinGen allele CA2417150.